The following is an entry in ClinVar:

ClinVar aggregate classification (germline): Conflicting classifications of pathogenicity. Review status: criteria provided, conflicting classifications (1 of 4 stars). 12 submissions from 12 submitters: Pathogenic (1); Likely pathogenic (2); Uncertain significance (9). Last evaluated 2026-06-12.

Conditions:
COL7A1-related disorder. Also called: COL7A1- related disorders; COL7A1-related condition.
Recessive dystrophic epidermolysis bullosa (RDEB). Also called: Recessive DEB (RDEB); EPIDERMOLYSIS BULLOSA DYSTROPHICA, GENERALIZED SEVERE, AUTOSOMAL RECESSIVE; Hallopeau-Siemens Disease; severe generalized recessive dystrophic epidermolysis bullosa; Epidermolysis Bullosa Distrophica Autosomal Recessive (RDEB); epidermolysis bullosa dystrophica, autosomal recessive. Identifiers: Orphanet 79408, Orphanet 79409, MedGen C0079474, MONDO:0009179, OMIM 226600.
Pretibial dystrophic epidermolysis bullosa. Also called: EPIDERMOLYSIS BULLOSA DYSTROPHICA, PRETIBIAL; Pretibial epidermolysis bullosa; Pretibial blistering. Identifiers: Orphanet 79410, MedGen C0432321, MONDO:0007552, OMIM 131850, HP:0012221.
Dominant dystrophic epidermolysis bullosa with absence of skin. Also called: EPIDERMOLYSIS BULLOSA WITH CONGENITAL LOCALIZED ABSENCE OF SKIN AND DEFORMITY OF NAILS; EPIDERMOLYSIS BULLOSA DYSTROPHICA, BART TYPE. Identifiers: MedGen C0268371, MONDO:0007557, OMIM 132000.
Epidermolysis bullosa pruriginosa. Also called: DEB, PRURIGINOSA; DYSTROPHIC EPIDERMOLYSIS BULLOSA PRURIGINOSA. Identifiers: Orphanet 89843, MedGen C1275114, MONDO:0011398, OMIM 604129.
Generalized dominant dystrophic epidermolysis bullosa (DDEB). Also called: Dominant DEB (DDEB); DDEB, generalized; DDEB-gen; DYSTROPHIC EPIDERMOLYSIS BULLOSA, AUTOSOMAL DOMINANT; Epidermolysis bullosa dystrophica, autosomal dominant. Identifiers: Orphanet 231568, MedGen C0432322, MONDO:0007549, OMIM 131750.
Nonsyndromic congenital nail disorder 8. Also called: TOENAIL DYSTROPHY, ISOLATED. Identifiers: MedGen C1843761, MONDO:0011852, OMIM 607523.
Transient bullous dermolysis of the newborn (TBDN). Also called: DYSTROPHIC EPIDERMOLYSIS BULLOSA, NEONATAL; EPIDERMOLYSIS BULLOSA DYSTROPHICA, NEONATAL FORM. Identifiers: Orphanet 79411, MedGen C1851573, MONDO:0007548, OMIM 131705.
Epidermolysis bullosa dystrophica. Also called: Dystrophic epidermolysis bullosa, Hallopeau-Siemens type (formerly); Dystrophic epidermolysis bullosa. Identifiers: Orphanet 303, MedGen C0079294, MONDO:0006543.

Allele frequency attached by ClinVar (database versions not stated): gnomAD 0.00015 and 0.00016; gnomAD exomes 0.00021 and 0.00024; TOPMed 0.00021; ExAC 0.00029; ESP Exome Variant Server 0.00054.
gnomAD v4.1: 382 of 1,610,264 alleles (0.024%); highest among the groups gnomAD compares: Middle Eastern, 0.73%; 2 homozygotes.

Submissions (12):

PreventionGenetics, part of Exact Sciences
Classification: Likely pathogenic for COL7A1-related condition. Last evaluated: 2026-06-12. Review status: criteria provided, single submitter. Criteria: ACMG Guidelines, 2015. Collection method: clinical testing. Allele origin: germline.
Comment: The COL7A1 c.5086C>T variant is predicted to result in the amino acid substitution p.Arg1696Cys. This variant has been reported in the homozygous or compound heterozygous state in individuals with recessive dystrophic epidermolysis bullosa (RDEB, Kurnicka et al. 2020. PubMed ID: 33603603; Table S1, Vahidnezhad et al. 2017. PubMed ID: 27899325), in a heterozygous state in a cohort of pregnancies at risk for epidermolysis bullosa (Pfendner et al. 2003. PubMed ID: 12813757), and in the heterozygous state in two unrelated individuals with a personal or family history of breast cancer (Table S5, Maxwell et al. 2016. PubMed ID: 27153395). This variant was also reported in the compound heterozygous state in an individual with inflammatory bowel disease (IBD, Crowley et al. 2020. PubMed ID: 32084423, Table 2). At PreventionGenetics, this variant was noted in the compound heterozygous state in twins with a phenotype consistent with mild autosomal recessive dystrophic epidermolysis bullosa. This variant is reported in 0.033% of alleles in individuals of European (non-Finnish) descent in gnomAD. However, in gnomAD v4 (available only on GRCh38), this variant is reported in 0.72% of alleles in a Middle Eastern subpopulation, including two homozygotes. This variant has conflicting classifications in ClinVar ranging from uncertain to pathogenic (Variation ID: 899655). Taken together, we interpret this variant as likely pathogenic for RDEB.

Myriad Genetics, Inc.
Classification: Uncertain significance for Recessive dystrophic epidermolysis bullosa. Last evaluated: 2026-06-03. Review status: criteria provided, single submitter. Criteria: Myriad Autosomal Dominant, Autosomal Recessive and X-Linked Classification Criteria (2023). Collection method: clinical testing. Allele origin: unknown.
Comment: NM_000094.3(COL7A1):c.5086C>T(R1696C) is a missense variant classified as a variant of uncertain significance in the context of dystrophic epidermolysis bullosa. R1696C has been observed in a case with relevant disease (PMID: 27899325). Relevant functional assessments of this variant are not available in the literature. R1696C has been observed in referenced population frequency databases. In summary, there is insufficient evidence to classify NM_000094.3(COL7A1):c.5086C>T(R1696C) as pathogenic or benign. Please note: this variant was assessed in the context of healthy population screening.

Women's Health and Genetics/Laboratory Corporation of America, LabCorp
Classification: Uncertain significance. Last evaluated: 2026-05-19. Review status: criteria provided, single submitter. Criteria: LabCorp Variant Classification Summary - May 2015. Collection method: clinical testing. Allele origin: germline.
Comment: Variant summary: COL7A1 c.5086C>T (p.Arg1696Cys) results in a non-conservative amino acid change in the encoded protein sequence. Algorithms developed to predict the effect of missense changes on protein structure and function all suggest that this variant is likely to be disruptive. The variant allele was found at a frequency of 0.00021 in 242194 control chromosomes, including 2 homozygotes (gnomAD, v4). This frequency is not significantly higher than estimated for a pathogenic variant in COL7A1 causing Dystrophic Epidermolysis Bullosa, Recessive, allowing no conclusion about variant significance. c.5086C>T has been observed in a homzygous individual affected with Dystrophic Epidermolysis Bullosa, Recessive (Vahidnezhad_2017). This report does not provide unequivocal conclusions about association of the variant with Dystrophic Epidermolysis Bullosa, Recessive. To our knowledge, no experimental evidence demonstrating an impact on protein function has been reported. The following publications have been ascertained in the context of this evaluation (PMID: 27899325, 12813757). ClinVar contains an entry for this variant (Variation ID: 899655). Based on the evidence outlined above, the variant was classified as uncertain significance.

CeGaT Center for Human Genetics Tuebingen
Classification: Uncertain significance. Last evaluated: 2026-02-01. Review status: criteria provided, single submitter. Criteria: CeGaT Center For Human Genetics Tuebingen Variant Classification Criteria Version 2. Collection method: clinical testing. Allele origin: germline. Affected: yes. Observed: 2 variant alleles.

Labcorp Genetics (formerly Invitae), Labcorp
Classification: Pathogenic. Last evaluated: 2026-01-26. Review status: criteria provided, single submitter. Criteria: Invitae Variant Classification Sherloc (09022015). Collection method: clinical testing. Allele origin: germline.
Comment: This sequence change replaces arginine, which is basic and polar, with cysteine, which is neutral and slightly polar, at codon 1696 of the COL7A1 protein (p.Arg1696Cys). This variant is present in population databases (rs2229820, gnomAD 0.03%). This missense change has been observed in individual(s) with autosomal recessive dystrophic epidermolysis bullosa (PMID: 27899325). ClinVar contains an entry for this variant (Variation ID: 899655). Invitae Evidence Modeling of protein sequence and biophysical properties (such as structural, functional, and spatial information, amino acid conservation, physicochemical variation, residue mobility, and thermodynamic stability) indicates that this missense variant is expected to disrupt COL7A1 protein function with a positive predictive value of 95%. For these reasons, this variant has been classified as Pathogenic.

GeneDx
Classification: Uncertain significance. Last evaluated: 2025-12-15. Review status: criteria provided, single submitter. Criteria: GeneDx Variant Classification Process June 2021. Collection method: clinical testing. Allele origin: germline. Affected: yes.
Comment: Observed on the same allele (in cis) with a variant of uncertain significance and on the opposite allele (in trans) with a pathogenic variant in a patient with RDEB from the published literature (PMID: 33603603); In silico analysis supports that this missense variant has a deleterious effect on protein structure/function; This variant is associated with the following publications: (PMID: 18558993, 27153395, 32084423, 34426522, 33603603, 12813757, 27899325)

Dasa
Classification: Uncertain significance. Last evaluated: 2025-11-04. Review status: criteria provided, single submitter. Criteria: DASA Assertion Criteria. Collection method: clinical testing. Allele origin: germline.
Comment: NM_000094.4(COL7A1):c.5086C>T (p.Arg1696Cys) is a missense variant that results in the substitution of arginine with cysteine. This variant has been reported in individuals with COL7A1-related disorders (PMID: 33603603). Also, this variant is rare in population databases. Computational prediction algorithms are consistent with a deleterious effect. The currently available literature and clinical evidence are not sufficient to establish a definitive association between this variant and the reported condition. Therefore, this variant is classified as a variant of uncertain significance.

First Genomix Gene Laboratory, Genetic Diagnostics Department
Classification: Likely pathogenic for Recessive dystrophic epidermolysis bullosa; Epidermolysis bullosa pruriginosa; Pretibial dystrophic epidermolysis bullosa; Transient bullous dermolysis of the newborn. Last evaluated: 2025-06-16. Review status: criteria provided, single submitter. Criteria: ACMG Guidelines, 2015. Collection method: clinical testing. Allele origin: germline. Inheritance: Autosomal recessive inheritance. Affected: no. Observed: 1 variant allele.

Department of Pathology and Laboratory Medicine, Sinai Health System
Classification: Uncertain significance for recessive dystrophic epidermolysis bullosa. Last evaluated: 2021-11-17. Review status: criteria provided, single submitter. Criteria: ACMG Guidelines, 2015. Collection method: research. Allele origin: germline.

Fulgent Genetics
Classification: Uncertain significance for Transient bullous dermolysis of the newborn; Generalized dominant dystrophic epidermolysis bullosa; Pretibial dystrophic epidermolysis bullosa; Dominant dystrophic epidermolysis bullosa with absence of skin; Recessive dystrophic epidermolysis bullosa; Epidermolysis bullosa pruriginosa; Nonsyndromic congenital nail disorder 8. Last evaluated: 2021-08-25. Review status: criteria provided, single submitter. Criteria: ACMG Guidelines, 2015. Collection method: clinical testing. Allele origin: unknown.

Illumina Laboratory Services, Illumina
Classification: Uncertain significance for Dystrophic epidermolysis bullosa. Last evaluated: 2017-04-27. Review status: criteria provided, single submitter. Criteria: ICSL Variant Classification Criteria 13 December 2019. Collection method: clinical testing. Allele origin: germline.
Comment: This variant was observed as part of a predisposition screen in an ostensibly healthy population. A literature search was performed for the gene, cDNA change, and amino acid change (where applicable). Publications were found based on this search. However, the evidence from the literature, in combination with allele frequency data from public databases where available, was not sufficient to rule this variant in or out of causing disease. Therefore, this variant is classified as a variant of unknown significance.

Breakthrough Genomics
Classification: Uncertain significance. Review status: criteria provided, single submitter. Criteria: ACMG Guidelines, 2015. Collection method: not provided. Allele origin: germline. Inheritance: Autosomal recessive inheritance. Affected: yes.

Literature cited by the submitters: PubMed 27899325 (cited by 3 submitters); PubMed 12813757 (cited by Women's Health and Genetics/Laboratory Corporation of America, LabCorp and Illumina Laboratory Services, Illumina); PubMed 33603603 (cited by Dasa).

NM_000094.4(COL7A1):c.5086C>T (p.Arg1696Cys)

Gene: COL7A1 (collagen type VII alpha 1 chain; minus strand). Cytogenetic location: 3p21.31.
Variant type: single nucleotide variant.
Coding change: c.5086C>T on transcript NM_000094.4 (MANE Select); coding-DNA position 5086, C replaced by T.
Protein change: p.Arg1696Cys; replaces arginine 1696 with cysteine.
Molecular consequence: missense variant.
Genome position (GRCh38, 1-based): chr3:48,580,311, G>A on the plus strand (C>T on the coding strand, the complement: COL7A1 is on the minus strand). VCF-style: chr3-48580311-G-A. GRCh37 (hg19) VCF-style: chr3-48617744-G-A.
Other names: short protein forms R1696C.
Identifiers: ClinVar variation 899655 (VCV000899655.46), dbSNP rs2229820, ClinGen allele CA2379684.